The following is an entry in ClinVar:

NM_000245.4(MET):c.34C>T (p.Leu12Phe)

Gene: MET (MET proto-oncogene, receptor tyrosine kinase; plus strand). Cytogenetic location: 7q31.2.
Variant type: single nucleotide variant.
Coding change: c.34C>T on transcript NM_000245.4 (MANE Select); coding-DNA position 34, C replaced by T.
Protein change: p.Leu12Phe; replaces leucine 12 with phenylalanine.
Molecular consequence: missense variant. On other transcripts: intron variant (1).
Genome position (GRCh38, 1-based): chr7:116,699,118, C>T. VCF-style: chr7-116699118-C-T. GRCh37 (hg19) VCF-style: chr7-116339172-C-T.
Other names: c.34C>T, p.Leu12Phe (NM_001127500.3, NM_001324401.3); c.-91+26541C>T (NM_001324402.2); short protein forms L12F.
Identifiers: ClinVar variation 1367128 (VCV001367128.12), dbSNP rs764455004, ClinGen allele CA4447932.

ClinVar aggregate classification (germline): Conflicting classifications of pathogenicity. Review status: criteria provided, conflicting classifications (1 of 4 stars). 3 submissions from 3 submitters: Uncertain significance (2); Likely benign (1). Last evaluated 2024-05-01.

Conditions:
Hereditary cancer-predisposing syndrome. Also called: Neoplastic Syndromes, Hereditary; Tumor predisposition; Hereditary neoplastic syndrome; Hereditary Cancer Syndrome. Identifiers: Orphanet 140162, MedGen C0027672, MeSH D009386, MONDO:0015356.
Renal cell carcinoma. Identifiers: Orphanet 217071, MedGen C0007134, MeSH D002292, MONDO:0005086, HP:0005584.

Allele frequency attached by ClinVar (database versions not stated): gnomAD exomes 0.00001 and 0.00002; TOPMed 0.00001; ExAC 0.00002.
gnomAD v4.1: 12 of 1,613,850 alleles (0.00074%); highest among the groups gnomAD compares: Admixed American, 0.0017%; no homozygotes.

Submissions (3):

Ambry Genetics
Classification: Uncertain significance for Hereditary cancer-predisposing syndrome. Last evaluated: 2024-05-01. Review status: criteria provided, single submitter. Criteria: Ambry Variant Classification Scheme 2023. Collection method: clinical testing. Allele origin: germline.
Comment: The p.L12F variant (also known as c.34C>T), located in coding exon 1 of the MET gene, results from a C to T substitution at nucleotide position 34. The leucine at codon 12 is replaced by phenylalanine, an amino acid with highly similar properties. This alteration was identified in 1/1358 non-cancer control individuals and in 0/57 cases, in a study looking at cancer predisposition mutations in patients with cutaneous melanoma and a history of at least two additional non-cutaneous melanoma primary cancers (Pritchard AL et al. PLoS One, 2018 Apr;13:e0194098). This amino acid position is not well conserved in available vertebrate species. In addition, this alteration is predicted to be tolerated by in silico analysis. Since supporting evidence is limited at this time, the clinical significance of this alteration remains unclear.

Labcorp Genetics (formerly Invitae), Labcorp
Classification: Likely benign for Renal cell carcinoma. Last evaluated: 2024-04-11. Review status: criteria provided, single submitter. Criteria: Invitae Variant Classification Sherloc (09022015). Collection method: clinical testing. Allele origin: germline.

GeneDx
Classification: Uncertain significance. Last evaluated: 2023-06-18. Review status: criteria provided, single submitter. Criteria: GeneDx Variant Classification Process June 2021. Collection method: clinical testing. Allele origin: germline. Affected: yes.
Comment: Not observed at significant frequency in large population cohorts (gnomAD); In silico analysis supports that this missense variant does not alter protein structure/function; Observed among control individuals, but absent from cases, in a melanoma case-control study (Pritchard et al., 2018); This variant is associated with the following publications: (PMID: 29641532)

Literature cited by the submitters: PubMed 29641532 (cited by Ambry Genetics).